The following is an entry in ClinVar:

NM_000815.5(GABRD):c.742G>A (p.Gly248Ser)

Gene: GABRD (gamma-aminobutyric acid type A receptor subunit delta; plus strand). Cytogenetic location: 1p36.33.
Variant type: single nucleotide variant.
Coding change: c.742G>A on transcript NM_000815.5 (MANE Select); coding-DNA position 742, G replaced by A.
Protein change: p.Gly248Ser; replaces glycine 248 with serine.
Molecular consequence: missense variant.
Genome position (GRCh38, 1-based): chr1:2,029,161, G>A. VCF-style: chr1-2029161-G-A. GRCh37 (hg19) VCF-style: chr1-1960600-G-A.
Other names: short protein forms G248S.
Identifiers: ClinVar variation 3704331 (VCV003704331.2).

ClinVar aggregate classification (germline): Uncertain significance (1 of 4 stars; one submission).

Conditions:
Idiopathic generalized epilepsy. Also called: Generalised epilepsy; EIG. Identifiers: MedGen C0270850, MONDO:0005579, OMIM 600669.

Submission:

Labcorp Genetics (formerly Invitae), Labcorp
Classification: Uncertain significance for Idiopathic generalized epilepsy. Last evaluated: 2024-11-05. Review status: criteria provided, single submitter. Criteria: Invitae Variant Classification Sherloc (09022015). Collection method: clinical testing. Allele origin: germline.
Comment: This sequence change replaces glycine, which is neutral and non-polar, with serine, which is neutral and polar, at codon 248 of the GABRD protein (p.Gly248Ser). The frequency data for this variant in the population databases is considered unreliable, as metrics indicate poor data quality at this position in the gnomAD database. This variant has not been reported in the literature in individuals affected with GABRD-related conditions. An algorithm developed to predict the effect of missense changes on protein structure and function (PolyPhen-2) suggests that this variant is likely to be disruptive. In summary, the available evidence is currently insufficient to determine the role of this variant in disease. Therefore, it has been classified as a Variant of Uncertain Significance.